The following is an entry in ClinVar:

ClinVar aggregate classification (germline): Uncertain significance (1 of 4 stars; one submission).

Conditions:
Progressive myoclonic epilepsy. Also called: Myoclonic Epilepsies, Progressive; Myoclonus epilepsy; Familial progressive myoclonic epilepsy; Progressive myoclonus epilepsy. Identifiers: Orphanet 308, Orphanet 98261, MedGen C0751778, MONDO:0020074.

Allele frequency attached by ClinVar (database versions not stated): gnomAD 0.00001; TOPMed 0.00001.
gnomAD v4.1: 5 of 1,611,360 alleles (0.00031%); highest among the groups gnomAD compares: African/African-American, 0.0013%; no homozygotes.

Submission:

Labcorp Genetics (formerly Invitae), Labcorp
Classification: Uncertain significance for Progressive myoclonic epilepsy. Last evaluated: 2022-06-20. Review status: criteria provided, single submitter. Criteria: Invitae Variant Classification Sherloc (09022015). Collection method: clinical testing. Allele origin: germline.
Comment: In summary, the available evidence is currently insufficient to determine the role of this variant in disease. Therefore, it has been classified as a Variant of Uncertain Significance. Algorithms developed to predict the effect of missense changes on protein structure and function are either unavailable or do not agree on the potential impact of this missense change (SIFT: "Tolerated"; PolyPhen-2: "Possibly Damaging"; Align-GVGD: "Class C0"). ClinVar contains an entry for this variant (Variation ID: 531796). This variant has not been reported in the literature in individuals affected with SCARB2-related conditions. This variant is not present in population databases (gnomAD no frequency). This sequence change replaces tyrosine, which is neutral and polar, with phenylalanine, which is neutral and non-polar, at codon 213 of the SCARB2 protein (p.Tyr213Phe).

NM_005506.4(SCARB2):c.638A>T (p.Tyr213Phe)

Gene: SCARB2 (scavenger receptor class B member 2; minus strand). Cytogenetic location: 4q21.1.
Variant type: single nucleotide variant.
Coding change: c.638A>T on transcript NM_005506.4 (MANE Select); coding-DNA position 638, A replaced by T.
Protein change: p.Tyr213Phe; replaces tyrosine 213 with phenylalanine.
Molecular consequence: missense variant. On other transcripts: intron variant (1).
Genome position (GRCh38, 1-based): chr4:76,176,503, T>A on the plus strand (A>T on the coding strand, the complement: SCARB2 is on the minus strand). VCF-style: chr4-76176503-T-A. GRCh37 (hg19) VCF-style: chr4-77097656-T-A.
Other names: c.276-593A>T (NM_001204255.2); short protein forms Y213F.
Identifiers: ClinVar variation 531796 (VCV000531796.7), dbSNP rs751953388, ClinGen allele CA357316582.